The following is an entry in ClinVar:

NM_000384.3(APOB):c.10107A>G (p.Ser3369=)

Gene: APOB (apolipoprotein B; minus strand). Cytogenetic location: 2p24.1.
Variant type: single nucleotide variant.
Coding change: c.10107A>G on transcript NM_000384.3 (MANE Select); coding-DNA position 10107, A replaced by G.
Protein change: p.Ser3369=; no amino-acid change (serine 3369 retained).
Molecular consequence: synonymous variant.
Genome position (GRCh38, 1-based): chr2:21,006,761, T>C on the plus strand (A>G on the coding strand, the complement: APOB is on the minus strand). VCF-style: chr2-21006761-T-C. GRCh37 (hg19) VCF-style: chr2-21229633-T-C.
Other names: c.10107A>G (NM_000384.2).
Identifiers: ClinVar variation 2924688 (VCV002924688.4), dbSNP rs1572779038, ClinGen allele CA425343737.

ClinVar aggregate classification (germline): Likely benign. Review status: criteria provided, multiple submitters, no conflicts (2 of 4 stars). 2 submissions from 2 submitters: Likely benign (2). Last evaluated 2025-11-04.

Conditions:
Familial hypobetalipoproteinemia 1. Also called: Hypobetalipoproteinemia, normotriglyceridemic; Acanthocytosis with hypobetalipoproteinemia; APOB-Related Familial Hypobetalipoproteinemia. Identifiers: MedGen C4551990, MONDO:0014252, OMIM 615558.
Hypercholesterolemia, autosomal dominant, type B (FHCL2). Also called: APOB-Related Familial Hypercholesterolemia, Autosomal Dominant; Familial Hypercholesterolemia Type B; APOLIPOPROTEIN B-100, FAMILIAL DEFECTIVE; APOLIPOPROTEIN B-100, FAMILIAL LIGAND-DEFECTIVE; HYPERCHOLESTEROLEMIA, FAMILIAL, DUE TO LIGAND-DEFECTIVE APOLIPOPROTEIN B; Hyperlipoproteinemia Type IIb. Identifiers: MedGen C1704417, MONDO:0007751, OMIM 144010.
Familial hypercholesterolemia. Also called: Familial hypercholesterolaemia; Familial hypercholesterolemias. Identifiers: MedGen C0020445, MONDO:0005439.

Allele frequency attached by ClinVar (database versions not stated): gnomAD exomes below 0.00001.
gnomAD v4.1: 2 of 1,614,044 alleles (0.00012%); highest among the groups gnomAD compares: Non-Finnish European, 0.00017%; no homozygotes.

Submissions (2):

GENinCode PLC
Classification: Likely benign for Familial hypercholesterolemia. Last evaluated: 2025-11-04. Review status: criteria provided, single submitter. Criteria: ACMG Guidelines, 2015. Collection method: clinical testing. Allele origin: germline.
Comment: This is a synonymous (silent) variant that is not predicted to impact splicing and occurs at a nucleotide which is not highly conserved. This variant has been classified as Likely Benign (BP4, BP7).

Labcorp Genetics (formerly Invitae), Labcorp
Classification: Likely benign for Familial hypobetalipoproteinemia 1; Hypercholesterolemia, autosomal dominant, type B. Last evaluated: 2024-01-08. Review status: criteria provided, single submitter. Criteria: Invitae Variant Classification Sherloc (09022015). Collection method: clinical testing. Allele origin: germline.